The following is an entry in ClinVar:

ClinVar aggregate classification (germline): Uncertain significance. Review status: criteria provided, multiple submitters, no conflicts (2 of 4 stars). 2 submissions from 2 submitters: Uncertain significance (2). Last evaluated 2024-09-15.

Conditions:
Hereditary cancer-predisposing syndrome. Also called: Hereditary Cancer Syndrome; Tumor predisposition; Hereditary neoplastic syndrome; Neoplastic Syndromes, Hereditary. Identifiers: Orphanet 140162, MedGen C0027672, MeSH D009386, MONDO:0015356.

Allele frequency attached by ClinVar (database versions not stated): gnomAD exomes below 0.00001.
gnomAD v4.1: 1 of 1,613,726 alleles (0.000062%); highest among the groups gnomAD compares: Non-Finnish European, 0.000085%; no homozygotes.

Submissions (2):

Labcorp Genetics (formerly Invitae), Labcorp
Classification: Uncertain significance. Last evaluated: 2024-09-15. Review status: criteria provided, single submitter. Criteria: Invitae Variant Classification Sherloc (09022015). Collection method: clinical testing. Allele origin: germline.
Comment: This sequence change replaces alanine, which is neutral and non-polar, with serine, which is neutral and polar, at codon 1646 of the POLE protein (p.Ala1646Ser). This variant is not present in population databases (gnomAD no frequency). This variant has not been reported in the literature in individuals affected with POLE-related conditions. ClinVar contains an entry for this variant (Variation ID: 646017). Invitae Evidence Modeling of protein sequence and biophysical properties (such as structural, functional, and spatial information, amino acid conservation, physicochemical variation, residue mobility, and thermodynamic stability) indicates that this missense variant is not expected to disrupt POLE protein function with a negative predictive value of 80%. In summary, the available evidence is currently insufficient to determine the role of this variant in disease. Therefore, it has been classified as a Variant of Uncertain Significance.

Ambry Genetics
Classification: Uncertain significance for Hereditary cancer-predisposing syndrome. Last evaluated: 2023-09-13. Review status: criteria provided, single submitter. Criteria: Ambry Variant Classification Scheme 2023. Collection method: clinical testing. Allele origin: germline.
Comment: The p.A1646S variant (also known as c.4936G>T), located in coding exon 37 of the POLE gene, results from a G to T substitution at nucleotide position 4936. The alanine at codon 1646 is replaced by serine, an amino acid with similar properties. This amino acid position is conserved. In addition, this alteration is predicted to be tolerated by in silico analysis. Since supporting evidence is limited at this time, the clinical significance of this alteration remains unclear.

NM_006231.4(POLE):c.4936G>T (p.Ala1646Ser)

Gene: POLE (DNA polymerase epsilon, catalytic subunit; minus strand). Cytogenetic location: 12q24.33.
Variant type: single nucleotide variant.
Coding change: c.4936G>T on transcript NM_006231.4 (MANE Select); coding-DNA position 4936, G replaced by T.
Protein change: p.Ala1646Ser; replaces alanine 1646 with serine.
Molecular consequence: missense variant.
Genome position (GRCh38, 1-based): chr12:132,642,522, C>A on the plus strand (G>T on the coding strand, the complement: POLE is on the minus strand). VCF-style: chr12-132642522-C-A. GRCh37 (hg19) VCF-style: chr12-133219108-C-A.
Other names: c.4936G>T (NM_006231.2); short protein forms A1646S.
Identifiers: ClinVar variation 646017 (VCV000646017.8), dbSNP rs1555222550, ClinGen allele CA387377863.
Genomic context (GRCh38, chr12:132,642,522, plus strand): 5'-TCTGCCTGGGGACCACTGGCCCACAACGACAGTACTGTGCTCACCTGCTCATCTCGAAGG[C>A]CTGCGACAGGCAGGTGTCCAGGTTGAGGTAGTGACGGATCATGCGCCGGGCTCCATGGCG-3'
Protein context (NP_006222.2, residues 1636-1656): YLNLDTCLSQ[Ala1646Ser]FEMSRYFHIP